The following is an entry in ClinVar:

NM_004606.5(TAF1):c.2985C>T (p.Asp995=)

Gene: TAF1 (TATA-box binding protein associated factor 1; plus strand). Cytogenetic location: Xq13.1.
Variant type: single nucleotide variant.
Coding change: c.2985C>T on transcript NM_004606.5 (MANE Select); coding-DNA position 2985, C replaced by T.
Protein change: p.Asp995=; no amino-acid change (aspartic acid 995 retained).
Molecular consequence: synonymous variant. On other transcripts: non-coding transcript variant (9).
Genome position (GRCh38, 1-based): chrX:71,392,928, C>T. VCF-style: chrX-71392928-C-T. GRCh37 (hg19) VCF-style: chrX-70612778-C-T.
Other names: c.2985C>T, p.Asp995= (NM_001286074.2); c.2922C>T, p.Asp974= (NM_138923.4).
Identifiers: ClinVar variation 2076864 (VCV002076864.15), dbSNP rs533924711, ClinGen allele CA10446967.

ClinVar aggregate classification (germline): Benign/Likely benign. Review status: criteria provided, multiple submitters, no conflicts (2 of 4 stars). 3 submissions from 3 submitters: Benign (1); Likely benign (2). Last evaluated 2025-11-01.

Allele frequency attached by ClinVar (database versions not stated): TOPMed 0.00002; gnomAD 0.00007; gnomAD exomes 0.00015; ExAC 0.00048; 1000 Genomes Project 30x 0.00146; 1000 Genomes Project 0.00185.
gnomAD v4.1: 181 of 1,209,332 alleles (0.015%); highest among the groups gnomAD compares: South Asian, 0.29%; 3 homozygotes.

Submissions (3):

CeGaT Center for Human Genetics Tuebingen
Classification: Likely benign. Last evaluated: 2025-11-01. Review status: criteria provided, single submitter. Criteria: CeGaT Center For Human Genetics Tuebingen Variant Classification Criteria Version 2. Collection method: clinical testing. Allele origin: germline. Affected: yes. Observed: 2 variant alleles.
Comment: TAF1: BP4, BP7, BS2

Labcorp Genetics (formerly Invitae), Labcorp
Classification: Benign. Last evaluated: 2025-08-06. Review status: criteria provided, single submitter. Criteria: Invitae Variant Classification Sherloc (09022015). Collection method: clinical testing. Allele origin: germline.

Blueprint Genetics
Classification: Likely benign. Last evaluated: 2024-04-24. Review status: criteria provided, single submitter. Criteria: ACMG Guidelines, 2015. Collection method: clinical testing. Allele origin: germline.